The following is an entry in ClinVar:

NM_001040108.2(MLH3):c.909T>C (p.Tyr303=)

Gene: MLH3 (mutL homolog 3; minus strand). Cytogenetic location: 14q24.3.
Variant type: single nucleotide variant.
Coding change: c.909T>C on transcript NM_001040108.2 (MANE Select); coding-DNA position 909, T replaced by C.
Protein change: p.Tyr303=; no amino-acid change (tyrosine 303 retained).
Molecular consequence: synonymous variant.
Genome position (GRCh38, 1-based): chr14:75,048,747, A>G on the plus strand (T>C on the coding strand, the complement: MLH3 is on the minus strand). VCF-style: chr14-75048747-A-G. GRCh37 (hg19) VCF-style: chr14-75515450-A-G.
Other names: c.909T>C, p.Tyr303= (NM_014381.3).
Identifiers: ClinVar variation 1765774 (VCV001765774.3), dbSNP rs2139595014, ClinGen allele CA487274209.

ClinVar aggregate classification (germline): Benign/Likely benign. Review status: criteria provided, multiple submitters, no conflicts (2 of 4 stars). 2 submissions from 2 submitters: Benign (1); Likely benign (1). Last evaluated 2026-04-29.

Conditions:
Colorectal cancer, hereditary nonpolyposis, type 7. Identifiers: Orphanet 144, MedGen C1858380, MONDO:0013725, OMIM 614385.

Submissions (2):

Myriad Genetics, Inc.
Classification: Benign for Colorectal cancer, hereditary nonpolyposis, type 7. Last evaluated: 2026-04-29. Review status: criteria provided, single submitter. Criteria: Myriad Autosomal Dominant, Autosomal Recessive and X-Linked Classification Criteria (2023). Collection method: clinical testing. Allele origin: unknown.
Comment: This variant is considered benign. This variant is a silent/synonymous amino acid change and it is not expected to impact splicing.

Ambry Genetics
Classification: Likely benign. Last evaluated: 2020-02-14. Review status: criteria provided, single submitter. Criteria: Ambry Variant Classification Scheme 2023. Collection method: clinical testing. Allele origin: germline.